The following is an entry in ClinVar:

NM_000059.4(BRCA2):c.3354A>G (p.Leu1118=)

Gene: BRCA2 (BRCA2 DNA repair associated; plus strand). Cytogenetic location: 13q13.1.
Variant type: single nucleotide variant.
Coding change: c.3354A>G on transcript NM_000059.4 (MANE Select); coding-DNA position 3354, A replaced by G.
Protein change: p.Leu1118=; no amino-acid change (leucine 1118 retained).
Molecular consequence: synonymous variant.
Genome position (GRCh38, 1-based): chr13:32,337,709, A>G. VCF-style: chr13-32337709-A-G. GRCh37 (hg19) VCF-style: chr13-32911846-A-G.
Identifiers: ClinVar variation 186983 (VCV000186983.19), dbSNP rs786203378, ClinGen allele CA017842.

ClinVar aggregate classification (germline): Likely benign. Review status: reviewed by expert panel (3 of 4 stars). 4 submissions from 4 submitters: Likely benign (1). 3 of the submissions do not count toward it. Last evaluated 2017-06-29.

Conditions:
Hereditary breast ovarian cancer syndrome. Also called: Hereditary breast and ovarian cancer; Hereditary breast and ovarian cancer syndrome; Breast and ovarian cancer; Hereditary breast and ovarian cancer syndrome (HBOC); Hereditary breast and/or ovarian cancer syndrome; BRCA1- and BRCA2-Associated Hereditary Breast and Ovarian Cancer. Identifiers: Orphanet 145, MedGen C0677776, MeSH D061325, MONDO:0003582. Disease mechanism: loss of function.
Hereditary cancer-predisposing syndrome. Also called: Hereditary Cancer Syndrome; Neoplastic Syndromes, Hereditary; Tumor predisposition; Hereditary neoplastic syndrome. Identifiers: Orphanet 140162, MedGen C0027672, MeSH D009386, MONDO:0015356.
Breast-ovarian cancer, familial, susceptibility to, 2 (BROVCA2). Also called: BRCA2 Hereditary Breast and Ovarian Cancer. Identifiers: Orphanet 145, MedGen C2675520, MONDO:0012933, OMIM 612555. Disease mechanism: loss of function.

Allele frequency attached by ClinVar (database versions not stated): gnomAD exomes below 0.00001.
gnomAD v4.1: 2 of 1,612,620 alleles (0.00012%); highest among the groups gnomAD compares: African/African-American, 0.0013%; no homozygotes.

Submissions (4):

Evidence-based Network for the Interpretation of Germline Mutant Alleles (ENIGMA)
Classification: Likely benign for Breast-ovarian cancer, familial, susceptibility to, 2. Last evaluated: 2017-06-29. Review status: reviewed by expert panel. Criteria: ENIGMA BRCA1/2 Classification Criteria (2017-06-29). Collection method: curation. Allele origin: germline.
Comment: Synonymous substitution variant, with low bioinformatic likelihood to result in a splicing aberration (Splicing prior probability 0.02).

Labcorp Genetics (formerly Invitae), Labcorp
Classification: Likely benign for Hereditary breast ovarian cancer syndrome. Last evaluated: 2025-08-03. Review status: criteria provided, single submitter. Criteria: Invitae Variant Classification Sherloc (09022015). Collection method: clinical testing. Allele origin: germline. Not counted in ClinVar's aggregate classification.

Color Diagnostics, LLC DBA Color Health
Classification: Likely benign for Hereditary cancer-predisposing syndrome. Last evaluated: 2018-11-05. Review status: criteria provided, single submitter. Criteria: ACMG Guidelines, 2015. Collection method: clinical testing. Allele origin: germline. Not counted in ClinVar's aggregate classification.

Ambry Genetics
Classification: Likely benign for Hereditary cancer-predisposing syndrome. Last evaluated: 2014-11-01. Review status: criteria provided, single submitter. Criteria: Ambry Variant Classification Scheme 2023. Collection method: clinical testing. Allele origin: germline. Not counted in ClinVar's aggregate classification.